The following is an entry in ClinVar:

NM_013975.4(LIG3):c.2961G>A (p.Ala987=)

Gene: LIG3 (DNA ligase 3; plus strand). Cytogenetic location: 17q12.
Variant type: single nucleotide variant.
Coding change: c.2961G>A on transcript NM_013975.4 (MANE Select); coding-DNA position 2961, G replaced by A.
Protein change: p.Ala987=; no amino-acid change (alanine 987 retained).
Molecular consequence: synonymous variant.
Genome position (GRCh38, 1-based): chr17:35,004,437, G>A. VCF-style: chr17-35004437-G-A. GRCh37 (hg19) VCF-style: chr17-33331456-G-A.
Identifiers: ClinVar variation 496419 (VCV000496419.2), dbSNP rs76122405, ClinGen allele CA8498840.

ClinVar aggregate classification (germline): Benign. Review status: criteria provided, multiple submitters, no conflicts (2 of 4 stars). 2 submissions from 2 submitters: Benign (2). Last evaluated 2016-08-29.

Allele frequency attached by ClinVar (database versions not stated): gnomAD 0.00266 and 0.00315; TOPMed 0.00280; ESP Exome Variant Server 0.00315; gnomAD exomes 0.00389 and 0.00491; 1000 Genomes Project 30x 0.00390; ExAC 0.00402; 1000 Genomes Project 0.00499.
gnomAD v4.1: 7,582 of 1,614,164 alleles (0.47%); highest among the groups gnomAD compares: East Asian, 4.8%; 94 homozygotes.

Submissions (2):

Women's Health and Genetics/Laboratory Corporation of America, LabCorp
Classification: Benign. Last evaluated: 2016-08-29. Review status: criteria provided, single submitter. Criteria: LabCorp Variant Classification Summary - May 2015. Collection method: clinical testing. Allele origin: germline.
Comment: Variant summary: The LIG3 c.2961G>A (p.Ala987Ala) variant involves the alteration of a non-conserved nucleotide, resulting in a synonymous change. Mutation taster predicts a damaging outcome for this substitution while 4/5 splice site tool predict the variant not to have an impact on normal splicing. This variant was found in 488/121302 control chromosomes (9 homozygotes), predominantly observed in the East Asian subpopulation at a frequency of 0.0215029 (186/8650). This frequency greatly exceeds the estimated maximal expected allele frequency of a pathogenic LIG3 variant (0.00001), suggesting this is likely a benign polymorphism found primarily in populations of East Asian origin. The variant of interest has not, to our knowledge, been reported in affected individuals via publications and/or reputable databases/clinical diagnostic laboratories; nor evaluated for functional impact by in vivo/vitro studies. Considering the synonymous nature and the high prevalence of the variant in the East Asian subpopulation, it was classified as benign.

Breakthrough Genomics
Classification: Benign. Review status: criteria provided, single submitter. Criteria: ACMG Guidelines, 2015. Collection method: not provided. Allele origin: germline. Inheritance: Autosomal recessive inheritance. Affected: yes.